The following is an entry in ClinVar:

NM_000431.4(MVK):c.845T>C (p.Met282Thr)

Gene: MVK (mevalonate kinase; plus strand). Cytogenetic location: 12q24.11.
Variant type: single nucleotide variant.
Coding change: c.845T>C on transcript NM_000431.4 (MANE Select); coding-DNA position 845, T replaced by C.
Protein change: p.Met282Thr; replaces methionine 282 with threonine.
Molecular consequence: missense variant. On other transcripts: non-coding transcript variant (4).
Genome position (GRCh38, 1-based): chr12:109,591,317, T>C. VCF-style: chr12-109591317-T-C. GRCh37 (hg19) VCF-style: chr12-110029122-T-C.
Other names: c.845T>C, p.Met282Thr (NM_001114185.3, NM_001414511.1, NM_001414513.1); c.689T>C, p.Met230Thr (NM_001301182.2, NM_001414514.1); c.920T>C, p.Met307Thr (NM_001414512.1); c.263T>C, p.Met88Thr (NM_001414515.1); short protein forms M230T, M282T, M307T, M88T.
Identifiers: ClinVar variation 3339541 (VCV003339541.1).

ClinVar aggregate classification (germline): Uncertain significance (1 of 4 stars; one submission).

gnomAD v4.1: 2 of 1,614,132 alleles (0.00012%); highest among the groups gnomAD compares: Non-Finnish European, 0.00017%; no homozygotes.

Submission:

Women's Health and Genetics/Laboratory Corporation of America, LabCorp
Classification: Uncertain significance. Last evaluated: 2024-06-13. Review status: criteria provided, single submitter. Criteria: LabCorp Variant Classification Summary - May 2015. Collection method: clinical testing. Allele origin: germline.
Comment: Variant summary: MVK c.845T>C (p.Met282Thr) results in a non-conservative amino acid change in the encoded protein sequence. Four of five in-silico tools predict a damaging effect of the variant on protein function. The variant allele was found at a frequency of 4e-06 in 251436 control chromosomes. The available data on variant occurrences in the general population are insufficient to allow any conclusion about variant significance. c.845T>C has been reported in the literature in the presumed compound heterozygous state in at least 1 individual affected with Mevalonic aciduria (example, Tanaka_2019, Yamashita_2017). These data do not allow any conclusion about variant significance. To our knowledge, no experimental evidence demonstrating an impact on protein function has been reported. The following publications have been ascertained in the context of this evaluation (PMID: 29451047, 28603204). No submitters have cited clinical-significance assessments for this variant to ClinVar. Based on the evidence outlined above, the variant was classified as uncertain significance.

Literature cited by the submitters: PubMed 29451047; PubMed 28603204.